The following is an entry in ClinVar:

NM_199242.3(UNC13D):c.2790G>C (p.Glu930Asp)

Genes: UNC13D (unc-13 homolog D; minus strand), LOC112533672 (Sharpr-MPRA regulatory region 1193; plus strand). Cytogenetic location: 17q25.1.
Variant type: single nucleotide variant.
Coding change: c.2790G>C on transcript NM_199242.3 (MANE Select); coding-DNA position 2790, G replaced by C.
Protein change: p.Glu930Asp; replaces glutamic acid 930 with aspartic acid.
Molecular consequence: missense variant.
Genome position (GRCh38, 1-based): chr17:75,830,402, C>G on the plus strand (G>C on the coding strand, the complement: UNC13D is on the minus strand). VCF-style: chr17-75830402-C-G. GRCh37 (hg19) VCF-style: chr17-73826483-C-G.
Other names: short protein forms E930D.
Identifiers: ClinVar variation 5031590 (VCV005031590.1).

ClinVar aggregate classification (germline): Uncertain significance (1 of 4 stars; one submission).

Conditions:
Inborn genetic diseases. Identifiers: MedGen C0950123, MeSH D030342.

gnomAD v4.1: 4 of 1,589,746 alleles (0.00025%); highest among the groups gnomAD compares: Non-Finnish European, 0.00026%; no homozygotes.

Submission:

Ambry Genetics
Classification: Uncertain significance for Inborn genetic diseases. Last evaluated: 2026-07-08. Review status: criteria provided, single submitter. Criteria: Ambry Variant Classification Scheme 2023. Collection method: clinical testing. Allele origin: germline.
Comment: The c.2790G>C (p.E930D) alteration is located in exon 29 (coding exon 29) of the UNC13D gene. This alteration results from a G to C substitution at nucleotide position 2790, causing the glutamic acid (E) at amino acid position 930 to be replaced by an aspartic acid (D). Based on data from gnomAD, the C allele has an overall frequency of <0.001% (0/208180) total alleles studied. The highest observed frequency was <0.001% (/) of alleles. Based on insufficient or conflicting evidence, the clinical significance of this alteration remains unclear.